The following is an entry in ClinVar:

ClinVar aggregate classification (germline): Uncertain significance. Review status: criteria provided, multiple submitters, no conflicts (2 of 4 stars). 6 submissions from 6 submitters: Uncertain significance (5). 1 of the submissions does not count toward it. Last evaluated 2025-09-17.

Conditions:
Familial adenomatous polyposis 1 (FAP1). Also called: POLYPOSIS, ADENOMATOUS INTESTINAL; FAMILIAL ADENOMATOUS POLYPOSIS 1, ATTENUATED. Identifiers: MedGen C2713442, MONDO:0021056, OMIM 175100. Disease mechanism: loss of function.
Hereditary cancer-predisposing syndrome. Also called: Hereditary neoplastic syndrome; Neoplastic Syndromes, Hereditary; Tumor predisposition; Hereditary Cancer Syndrome. Identifiers: Orphanet 140162, MedGen C0027672, MeSH D009386, MONDO:0015356.

Allele frequency attached by ClinVar (database versions not stated): TOPMed below 0.00001; gnomAD 0.00001; gnomAD exomes 0.00001; ExAC 0.00002.
gnomAD v4.1: 13 of 1,614,128 alleles (0.00081%); highest among the groups gnomAD compares: Non-Finnish European, 0.0011%; no homozygotes.

Submissions (6):

Color Diagnostics, LLC DBA Color Health
Classification: Uncertain significance for Hereditary cancer-predisposing syndrome. Last evaluated: 2025-09-17. Review status: criteria provided, single submitter. Criteria: ACMG Guidelines, 2015. Collection method: clinical testing. Allele origin: germline.
Comment: This missense variant replaces asparagine with aspartic acid at codon 944 of the APC protein. Computational prediction suggests that this variant may not impact protein structure and function. To our knowledge, functional studies have not been reported for this variant. This variant has not been reported in individuals affected with APC-related disorders in the literature. This variant has been identified in 2/250782 chromosomes in the general population by the Genome Aggregation Database (gnomAD). The available evidence is insufficient to determine the role of this variant in disease conclusively. Therefore, this variant is classified as a Variant of Uncertain Significance.

Labcorp Genetics (formerly Invitae), Labcorp
Classification: Uncertain significance for Familial adenomatous polyposis 1. Last evaluated: 2025-08-24. Review status: criteria provided, single submitter. Criteria: Invitae Variant Classification Sherloc (09022015). Collection method: clinical testing. Allele origin: germline.
Comment: This sequence change replaces asparagine, which is neutral and polar, with aspartic acid, which is acidic and polar, at codon 944 of the APC protein (p.Asn944Asp). This variant is present in population databases (rs749720558, gnomAD 0.002%). This missense change has been observed in individual(s) with colorectal cancer (PMID: 30809968). ClinVar contains an entry for this variant (Variation ID: 469775). Invitae Evidence Modeling of protein sequence and biophysical properties (such as structural, functional, and spatial information, amino acid conservation, physicochemical variation, residue mobility, and thermodynamic stability) indicates that this missense variant is not expected to disrupt APC protein function with a negative predictive value of 95%. In summary, the available evidence is currently insufficient to determine the role of this variant in disease. Therefore, it has been classified as a Variant of Uncertain Significance.

Ambry Genetics
Classification: Uncertain significance for Hereditary cancer-predisposing syndrome. Last evaluated: 2024-11-08. Review status: criteria provided, single submitter. Criteria: Ambry Variant Classification Scheme 2023. Collection method: clinical testing. Allele origin: germline.
Comment: The p.N944D variant (also known as c.2830A>G), located in coding exon 15 of the APC gene, results from an A to G substitution at nucleotide position 2830. The asparagine at codon 944 is replaced by aspartic acid, an amino acid with highly similar properties. This alteration was identified in a cohort of early-onset colorectal cancer patients undergoing whole exome sequencing (Thutkawkorapin J et al. Mol Genet Genomic Med, 2019 05;7:e605). Missense alterations in APC are not a common cause of disease (Spier I et al. Genet Med. 2024 Feb;26(2):100992). This amino acid position is not well conserved in available vertebrate species. In addition, in silico predictors for this gene do not accurately predict pathogenicity. Since supporting evidence is limited at this time, the clinical significance of this alteration remains unclear.

GeneDx
Classification: Uncertain significance. Last evaluated: 2023-11-08. Review status: criteria provided, single submitter. Criteria: GeneDx Variant Classification Process June 2021. Collection method: clinical testing. Allele origin: germline. Affected: yes.
Comment: Not observed at significant frequency in large population cohorts (gnomAD); In silico analysis supports that this missense variant does not alter protein structure/function; Observed in individuals with a personal or family history including colorectal cancer (PMID: 30809968); This variant is associated with the following publications: (PMID: 30809968)

Myriad Genetics, Inc.
Classification: Uncertain significance for Familial adenomatous polyposis 1. Last evaluated: 2023-02-14. Review status: criteria provided, single submitter. Criteria: Myriad Autosomal Dominant, Autosomal Recessive and X-Linked Classification Criteria (2023). Collection method: clinical testing. Allele origin: unknown.
Comment: This variant is classified as a variant of uncertain significance as there is insufficient evidence to determine its impact on protein function and/or cancer risk.

Counsyl
Classification: Uncertain significance for Familial adenomatous polyposis 1. Last evaluated: 2018-05-01. Review status: no assertion criteria provided. Collection method: clinical testing. Allele origin: unknown. Not counted in ClinVar's aggregate classification.

Literature cited by the submitters: PubMed 30809968 (cited by Labcorp Genetics (formerly Invitae), Labcorp and Ambry Genetics).

NM_000038.6(APC):c.2830A>G (p.Asn944Asp)

Gene: APC (APC regulator of Wnt signaling pathway; plus strand). Cytogenetic location: 5q22.2.
Variant type: single nucleotide variant.
Coding change: c.2830A>G on transcript NM_000038.6 (MANE Select); coding-DNA position 2830, A replaced by G.
Protein change: p.Asn944Asp; replaces asparagine 944 with aspartic acid.
Molecular consequence: missense variant.
Genome position (GRCh38, 1-based): chr5:112,838,424, A>G. VCF-style: chr5-112838424-A-G. GRCh37 (hg19) VCF-style: chr5-112174121-A-G.
Other names: c.2830A>G, p.Asn944Asp (NM_001127510.3, NM_001354895.2); c.2776A>G, p.Asn926Asp (NM_001127511.3); c.2884A>G, p.Asn962Asp (NM_001354896.2); c.2860A>G, p.Asn954Asp (NM_001354897.2); c.2755A>G, p.Asn919Asp (NM_001354898.2); c.2746A>G, p.Asn916Asp (NM_001354899.2); c.2707A>G, p.Asn903Asp (NM_001354900.2); c.2653A>G, p.Asn885Asp (NM_001354901.2); and 5 more; short protein forms N926D, N944D, N919D, N661D, N885D, N962D, N784D, N843D.
Identifiers: ClinVar variation 469775 (VCV000469775.19), dbSNP rs749720558, ClinGen allele CA033621.